The following is an entry in ClinVar:

ClinVar aggregate classification (germline): Uncertain significance (1 of 4 stars; one submission).

Conditions:
Pituitary adenoma 5, multiple types. Identifiers: MedGen C4539685, MONDO:0054601, OMIM 617540.
Autosomal recessive nonsyndromic hearing loss 12. Also called: DEAFNESS, AUTOSOMAL RECESSIVE 12. Identifiers: Orphanet 90636, MedGen C1832394, MONDO:0011067, OMIM 601386.
Usher syndrome type 1D (USH1D). Also called: USHER SYNDROME, TYPE ID. Identifiers: Orphanet 231169, Orphanet 886, MedGen C1832845, MONDO:0010984, OMIM 601067.

Submission:

Juno Genomics, Hangzhou Juno Genomics, Inc
Classification: Uncertain significance for Usher syndrome type 1D; Autosomal recessive nonsyndromic hearing loss 12; Pituitary adenoma 5, multiple types. Review status: criteria provided, single submitter. Criteria: ACMG Guidelines, 2015. Collection method: clinical testing. Allele origin: germline. Affected: yes.
Comment: Absent from controls (or at extremely low frequency if recessive) in Genome Aggregation Database, Exome Sequencing Project, 1000 Genomes Project, or Exome Aggregation Consortium.

NM_022124.6(CDH23):c.5268G>T (p.Glu1756Asp)

Gene: CDH23 (cadherin related 23; plus strand). Cytogenetic location: 10q22.1.
Variant type: single nucleotide variant.
Coding change: c.5268G>T on transcript NM_022124.6 (MANE Select); coding-DNA position 5268, G replaced by T.
Protein change: p.Glu1756Asp; replaces glutamic acid 1756 with aspartic acid.
Molecular consequence: missense variant.
Genome position (GRCh38, 1-based): chr10:71,779,347, G>T. VCF-style: chr10-71779347-G-T. GRCh37 (hg19) VCF-style: chr10-73539104-G-T.
Other names: short protein forms E1756D.
Identifiers: ClinVar variation 3382427 (VCV003382427.2).